The following is an entry in ClinVar:

ClinVar aggregate classification (germline): Uncertain significance. Review status: criteria provided, multiple submitters, no conflicts (2 of 4 stars). 2 submissions from 2 submitters: Uncertain significance (2). Last evaluated 2024-08-27.

Conditions:
Cardiovascular phenotype. Identifiers: MedGen CN230736.
Hereditary cancer-predisposing syndrome. Also called: Hereditary neoplastic syndrome; Tumor predisposition; Neoplastic Syndromes, Hereditary; Hereditary Cancer Syndrome. Identifiers: Orphanet 140162, MedGen C0027672, MeSH D009386, MONDO:0015356.
Neurofibromatosis, type 1 (NF1). Also called: VON RECKLINGHAUSEN DISEASE; NEUROFIBROMATOSIS, TYPE I, SOMATIC; Peripheral type neurofibromatosis; Neurofibromatosis, type I. Identifiers: Orphanet 636, MedGen C0027831, MONDO:0018975, OMIM 162200. Disease mechanism: loss of function.

Submissions (2):

Ambry Genetics
Classification: Uncertain significance for Cardiovascular phenotype; Hereditary cancer-predisposing syndrome. Last evaluated: 2024-08-27. Review status: criteria provided, single submitter. Criteria: Ambry Variant Classification Scheme 2023. Collection method: clinical testing. Allele origin: germline.
Comment: The p.E1908K variant (also known as c.5722G>A), located in coding exon 38 of the NF1 gene, results from a G to A substitution at nucleotide position 5722. The glutamic acid at codon 1908 is replaced by lysine, an amino acid with similar properties. This amino acid position is conserved. In addition, this alteration is predicted to be deleterious by in silico analysis. Based on the available evidence, the clinical significance of this variant remains unclear.

Labcorp Genetics (formerly Invitae), Labcorp
Classification: Uncertain significance for Neurofibromatosis, type 1. Last evaluated: 2019-07-30. Review status: criteria provided, single submitter. Criteria: Invitae Variant Classification Sherloc (09022015). Collection method: clinical testing. Allele origin: germline.
Comment: This sequence change replaces glutamic acid with lysine at codon 1908 of the NF1 protein (p.Glu1908Lys). The glutamic acid residue is moderately conserved and there is a small physicochemical difference between glutamic acid and lysine. In summary, the available evidence is currently insufficient to determine the role of this variant in disease. Therefore, it has been classified as a Variant of Uncertain Significance. Algorithms developed to predict the effect of missense changes on protein structure and function are either unavailable or do not agree on the potential impact of this missense change (SIFT: "Tolerated"; PolyPhen-2: "Probably Damaging"; Align-GVGD: "Class C0"). This variant has not been reported in the literature in individuals with NF1-related conditions. This variant is not present in population databases (ExAC no frequency).

NM_001042492.3(NF1):c.5785G>A (p.Glu1929Lys)

Gene: NF1 (neurofibromin 1; plus strand). Cytogenetic location: 17q11.2.
Variant type: single nucleotide variant.
Coding change: c.5785G>A on transcript NM_001042492.3 (MANE Select); coding-DNA position 5785, G replaced by A.
Protein change: p.Glu1929Lys; replaces glutamic acid 1929 with lysine.
Molecular consequence: missense variant.
Genome position (GRCh38, 1-based): chr17:31,330,471, G>A. VCF-style: chr17-31330471-G-A. GRCh37 (hg19) VCF-style: chr17-29657489-G-A.
Other names: c.5722G>A, p.Glu1908Lys (NM_000267.4); short protein forms E1929K, E1908K.
Identifiers: ClinVar variation 955823 (VCV000955823.7), dbSNP rs2069454068, ClinGen allele CA399010468.